The following is an entry in ClinVar:

NM_032043.3(BRIP1):c.971del (p.Thr324fs)

Gene: BRIP1 (BRCA1 interacting DNA helicase 1; minus strand). Cytogenetic location: 17q23.2.
Variant type: Deletion.
Coding change: c.971del on transcript NM_032043.3 (MANE Select); coding-DNA position 971, one base deleted (C; older notation c.971delC).
Protein change: p.Thr324fs; shifts the reading frame from threonine 324.
Molecular consequence: frameshift variant.
Genome position (GRCh38, 1-based): chr17:61,801,422, G deleted on the plus strand (C on the coding strand, the reverse complement: BRIP1 is on the minus strand). VCF-style (leftmost placement, unchanged base first): chr17-61801421-TG-T. GRCh37 (hg19) VCF-style: chr17-59878782-TG-T.
Other names: short protein forms T324fs.
Identifiers: ClinVar variation 2583685 (VCV002583685.2), dbSNP rs2545155962, ClinGen allele CA2582342225.

ClinVar aggregate classification (germline): Pathogenic (1 of 4 stars; one submission).

Conditions:
Familial cancer of breast. Also called: Hereditary breast cancer; BREAST CANCER, FAMILIAL; hereditary breast carcinoma. Identifiers: Orphanet 227535, MedGen C0346153, MONDO:0016419, OMIM 114480. Disease mechanism: loss of function.

Submission:

Myriad Genetics, Inc.
Classification: Pathogenic for Familial cancer of breast. Last evaluated: 2023-06-01. Review status: criteria provided, single submitter. Criteria: Myriad Autosomal Dominant, Autosomal Recessive and X-Linked Classification Criteria (2023). Collection method: clinical testing. Allele origin: unknown.
Comment: This variant is considered pathogenic. This variant creates a frameshift predicted to result in premature protein truncation.